The following is an entry in ClinVar:

NM_031471.6(FERMT3):c.930G>C (p.Val310=)

Gene: FERMT3 (FERM domain containing kindlin 3; plus strand). Cytogenetic location: 11q13.1.
Variant type: single nucleotide variant.
Coding change: c.930G>C on transcript NM_031471.6 (MANE Select); coding-DNA position 930, G replaced by C.
Protein change: p.Val310=; no amino-acid change (valine 310 retained).
Molecular consequence: synonymous variant.
Genome position (GRCh38, 1-based): chr11:64,219,559, G>C. VCF-style: chr11-64219559-G-C. GRCh37 (hg19) VCF-style: chr11-63987031-G-C.
Other names: p.Val310=; c.930G>C, p.Val310= (NM_001382361.1, NM_001382362.1, NM_001382448.1 and 1 more transcripts); c.390G>C, p.Val130= (NM_001382363.1, NM_001382364.1).
Identifiers: ClinVar variation 537724 (VCV000537724.15), dbSNP rs199508330, ClinGen allele CA6068955.

ClinVar aggregate classification (germline): Benign/Likely benign. Review status: criteria provided, multiple submitters, no conflicts (2 of 4 stars). 4 submissions from 4 submitters: Benign (3); Likely benign (1). Last evaluated 2026-02-02.

Conditions:
Leukocyte adhesion deficiency 3. Also called: INTEGRIN ACTIVATION DEFICIENCY DISEASE; LEUKOCYTE ADHESION DEFICIENCY 1 VARIANT; Leukocyte adhesion deficiency, type III. Identifiers: Orphanet 2968, Orphanet 99844, MedGen C2748536, MONDO:0013016, OMIM 612840.

Allele frequency attached by ClinVar (database versions not stated): 1000 Genomes Project 0.00859; 1000 Genomes Project 30x 0.00859; ESP Exome Variant Server 0.00008; TOPMed 0.00053; gnomAD 0.00054.
gnomAD v4.1: 2,609 of 1,611,558 alleles (0.16%); highest among the groups gnomAD compares: South Asian, 2.4%; 40 homozygotes.

Submissions (4):

Labcorp Genetics (formerly Invitae), Labcorp
Classification: Benign for Leukocyte adhesion deficiency 3. Last evaluated: 2026-02-02. Review status: criteria provided, single submitter. Criteria: Invitae Variant Classification Sherloc (09022015). Collection method: clinical testing. Allele origin: germline.

Mayo Clinic Laboratories, Mayo Clinic
Classification: Benign. Last evaluated: 2024-05-14. Review status: criteria provided, single submitter. Criteria: ACMG Guidelines, 2015. Collection method: clinical testing. Allele origin: germline. Observed: 2 variant alleles.
Comment: BS1, BS2, BP4, BP7

Fulgent Genetics
Classification: Likely benign for Leukocyte adhesion deficiency 3. Last evaluated: 2021-10-08. Review status: criteria provided, single submitter. Criteria: ACMG Guidelines, 2015. Collection method: clinical testing. Allele origin: unknown.

Breakthrough Genomics
Classification: Benign. Review status: criteria provided, single submitter. Criteria: ACMG Guidelines, 2015. Collection method: not provided. Allele origin: germline. Inheritance: Autosomal recessive inheritance. Affected: yes.